The following is an entry in ClinVar:

ClinVar aggregate classification (germline): Uncertain significance (1 of 4 stars; one submission).

Conditions:
Hereditary cancer-predisposing syndrome. Also called: Neoplastic Syndromes, Hereditary; Hereditary Cancer Syndrome; Tumor predisposition; Hereditary neoplastic syndrome. Identifiers: Orphanet 140162, MedGen C0027672, MeSH D009386, MONDO:0015356.

Submission:

Ambry Genetics
Classification: Uncertain significance for Hereditary cancer-predisposing syndrome. Last evaluated: 2024-12-29. Review status: criteria provided, single submitter. Criteria: Ambry Variant Classification Scheme 2023. Collection method: clinical testing. Allele origin: germline.
Comment: The p.S305P variant (also known as c.913T>C), located in coding exon 7 of the ATM gene, results from a T to C substitution at nucleotide position 913. The serine at codon 305 is replaced by proline, an amino acid with similar properties. This amino acid position is conserved. In addition, the in silico prediction for this alteration is inconclusive. Based on the available evidence, the clinical significance of this variant remains unclear.

NM_000051.4(ATM):c.913T>C (p.Ser305Pro)

Gene: ATM (ATM serine/threonine kinase; plus strand). Cytogenetic location: 11q22.3.
Variant type: single nucleotide variant.
Coding change: c.913T>C on transcript NM_000051.4 (MANE Select); coding-DNA position 913, T replaced by C.
Protein change: p.Ser305Pro; replaces serine 305 with proline.
Molecular consequence: missense variant.
Genome position (GRCh38, 1-based): chr11:108,246,975, T>C. VCF-style: chr11-108246975-T-C. GRCh37 (hg19) VCF-style: chr11-108117702-T-C.
Other names: c.913T>C, p.Ser305Pro (NM_001351834.2); short protein forms S305P.
Identifiers: ClinVar variation 3801526 (VCV003801526.1).